The following is an entry in ClinVar:

ClinVar aggregate classification (germline): Benign. Review status: criteria provided, multiple submitters, no conflicts (2 of 4 stars). 2 submissions from 2 submitters: Benign (2). Last evaluated 2021-06-10.

Conditions:
Miyoshi muscular dystrophy 1 (MMD1). Identifiers: Orphanet 45448, MedGen C4551973, MONDO:0024545, OMIM 254130.

Allele frequency attached by ClinVar (database versions not stated): 1000 Genomes Project 0.09864; 1000 Genomes Project 30x 0.10337; gnomAD 0.12623 and 0.13069; TOPMed 0.12887.
gnomAD v4.1: 19,193 of 152,142 alleles (13%); highest among the groups gnomAD compares: African/African-American, 18%; 1,369 homozygotes.

Submissions (12):

Genome-Nilou Lab
Classification: Benign for Miyoshi muscular dystrophy 1. Last evaluated: 2021-06-10. Review status: criteria provided, single submitter. Criteria: ACMG Guidelines, 2015. Collection method: clinical testing. Allele origin: germline. Affected: no.

GeneDx
Classification: Benign. Last evaluated: 2018-06-14. Review status: criteria provided, single submitter. Criteria: GeneDx Variant Classification (06012015). Collection method: clinical testing. Allele origin: germline. Affected: yes.
Comment: This variant is considered likely benign or benign based on one or more of the following criteria: it is a conservative change, it occurs at a poorly conserved position in the protein, it is predicted to be benign by multiple in silico algorithms, and/or has population frequency not consistent with disease.

Dr. Peter K. Rogan Lab, Western University
No classification provided (evidence only). Condition: Acute myeloid leukemia. Review status: no classification provided. Collection method: in vitro. Allele origin: not applicable. Functional consequence: retained intron. Not counted in ClinVar's aggregate classification.

Dr. Peter K. Rogan Lab, Western University
No classification provided (evidence only). Condition: Acute myeloid leukemia. Review status: no classification provided. Collection method: in vitro. Allele origin: not applicable. Functional consequence: retained intron. Not counted in ClinVar's aggregate classification.

Dr. Peter K. Rogan Lab, Western University
No classification provided (evidence only). Condition: Acute myeloid leukemia. Review status: no classification provided. Collection method: in vitro. Allele origin: not applicable. Functional consequence: retained intron. Not counted in ClinVar's aggregate classification.

Dr. Peter K. Rogan Lab, Western University
No classification provided (evidence only). Condition: Acute myeloid leukemia. Review status: no classification provided. Collection method: in vitro. Allele origin: not applicable. Functional consequence: retained intron. Not counted in ClinVar's aggregate classification.

Dr. Peter K. Rogan Lab, Western University
No classification provided (evidence only). Condition: Acute myeloid leukemia. Review status: no classification provided. Collection method: in vitro. Allele origin: not applicable. Functional consequence: retained intron. Not counted in ClinVar's aggregate classification.

Dr. Peter K. Rogan Lab, Western University
No classification provided (evidence only). Condition: Acute myeloid leukemia. Review status: no classification provided. Collection method: in vitro. Allele origin: not applicable. Functional consequence: retained intron. Not counted in ClinVar's aggregate classification.

Dr. Peter K. Rogan Lab, Western University
No classification provided (evidence only). Condition: Acute myeloid leukemia. Review status: no classification provided. Collection method: in vitro. Allele origin: not applicable. Functional consequence: retained intron. Not counted in ClinVar's aggregate classification.

Dr. Peter K. Rogan Lab, Western University
No classification provided (evidence only). Condition: Acute myeloid leukemia. Review status: no classification provided. Collection method: in vitro. Allele origin: not applicable. Functional consequence: retained intron. Not counted in ClinVar's aggregate classification.

Dr. Peter K. Rogan Lab, Western University
No classification provided (evidence only). Condition: Gastric cancer. Review status: no classification provided. Collection method: in vitro. Allele origin: not applicable. Functional consequence: retained intron. Not counted in ClinVar's aggregate classification.

Dr. Peter K. Rogan Lab, Western University
No classification provided (evidence only). Condition: Uterine carcinosarcoma. Review status: no classification provided. Collection method: in vitro. Allele origin: not applicable. Functional consequence: retained intron. Not counted in ClinVar's aggregate classification.

NM_001130987.2(DYSF):c.1494-163G>T

Gene: DYSF (dysferlin; plus strand). Cytogenetic location: 2p13.2.
Variant type: single nucleotide variant.
Coding change: c.1494-163G>T on transcript NM_001130987.2 (MANE Select); 163 bases into the intron before coding-DNA position 1494, G replaced by T.
Molecular consequence: intron variant.
Genome position (GRCh38, 1-based): chr2:71,538,994, G>T. VCF-style: chr2-71538994-G-T. GRCh37 (hg19) VCF-style: chr2-71766124-G-T.
Other names: NC_000002.11:g.71766124G>T; c.1491-163G>T (NM_001130979.2, NM_001130981.2, NM_001130980.2); c.1398-163G>T (NM_001130978.2, NM_003494.4, NM_001130977.2 and 1 more transcripts); c.1494-163G>T (NM_001130982.2, NM_001130985.2); c.1401-163G>T (NM_001130983.2, NM_001130455.2, NM_001130984.2 and 1 more transcripts).
Identifiers: ClinVar variation 679417 (VCV000679417.5), dbSNP rs79617374, ClinGen allele CA11301396.